The following is an entry in ClinVar:

NM_004960.4(FUS):c.355A>T (p.Ser119Cys)

Gene: FUS (FUS RNA binding protein; plus strand). Cytogenetic location: 16p11.2.
Variant type: single nucleotide variant.
Coding change: c.355A>T on transcript NM_004960.4 (MANE Select); coding-DNA position 355, A replaced by T.
Protein change: p.Ser119Cys; replaces serine 119 with cysteine.
Molecular consequence: missense variant. On other transcripts: non-coding transcript variant (1).
Genome position (GRCh38, 1-based): chr16:31,184,228, A>T. VCF-style: chr16-31184228-A-T. GRCh37 (hg19) VCF-style: chr16-31195549-A-T.
Other names: c.352A>T, p.Ser118Cys (NM_001170634.1); c.355A>T, p.Ser119Cys (NM_001170937.1); short protein forms S118C, S119C.
Identifiers: ClinVar variation 4788064 (VCV004788064.1).

ClinVar aggregate classification (germline): Uncertain significance (1 of 4 stars; one submission).

Conditions:
Amyotrophic lateral sclerosis type 6. Also called: FUS-Related Amyotrophic Laterial Sclerosis; AMYOTROPHIC LATERAL SCLEROSIS 6 WITHOUT FRONTOTEMPORAL DEMENTIA; Amyotrophic lateral sclerosis 6, with or without frontotemporal dementia. Identifiers: Orphanet 275872, Orphanet 803, MedGen C2931786, MONDO:0011951, OMIM 608030.
Tremor, hereditary essential, 4 (ETM4). Identifiers: MedGen C3539195, MONDO:0013888, OMIM 614782.

gnomAD v4.1: 36 of 1,614,000 alleles (0.0022%); highest among the groups gnomAD compares: Non-Finnish European, 0.0031%; no homozygotes.

Submission:

Labcorp Genetics (formerly Invitae), Labcorp
Classification: Uncertain significance for Tremor, hereditary essential, 4; Amyotrophic lateral sclerosis type 6. Last evaluated: 2025-11-25. Review status: criteria provided, single submitter. Criteria: Invitae Variant Classification Sherloc (09022015). Collection method: clinical testing. Allele origin: germline.
Comment: This sequence change replaces serine, which is neutral and polar, with cysteine, which is neutral and slightly polar, at codon 119 of the FUS protein (p.Ser119Cys). This variant is present in population databases (no rsID available, gnomAD 0.0009%). This variant has not been reported in the literature in individuals affected with FUS-related conditions. Experimental studies and prediction algorithms are not available or were not evaluated, and the functional significance of this variant is currently unknown. In summary, the available evidence is currently insufficient to determine the role of this variant in disease. Therefore, it has been classified as a Variant of Uncertain Significance.